The following is an entry in ClinVar:

ClinVar aggregate classification (germline): Uncertain significance (1 of 4 stars; one submission).

Conditions:
Charcot-Marie-Tooth disease type 2. Also called: Charcot-Marie-Tooth type 2. Identifiers: Orphanet 64746, MedGen C0270914, MONDO:0018993.

Submission:

Labcorp Genetics (formerly Invitae), Labcorp
Classification: Uncertain significance for Charcot-Marie-Tooth disease type 2. Last evaluated: 2023-04-25. Review status: criteria provided, single submitter. Criteria: Invitae Variant Classification Sherloc (09022015). Collection method: clinical testing. Allele origin: germline.
Comment: This sequence change replaces valine, which is neutral and non-polar, with glycine, which is neutral and non-polar, at codon 452 of the LMNA protein (p.Val452Gly). This variant is not present in population databases (gnomAD no frequency). This variant has not been reported in the literature in individuals affected with LMNA-related conditions. Advanced modeling of protein sequence and biophysical properties (such as structural, functional, and spatial information, amino acid conservation, physicochemical variation, residue mobility, and thermodynamic stability) performed at Invitae indicates that this missense variant is expected to disrupt LMNA protein function. This variant disrupts the p.Val452 amino acid residue in LMNA. Other variant(s) that disrupt this residue have been observed in individuals with LMNA-related conditions (Invitae), which suggests that this may be a clinically significant amino acid residue. In summary, the available evidence is currently insufficient to determine the role of this variant in disease. Therefore, it has been classified as a Variant of Uncertain Significance.

NM_170707.4(LMNA):c.1355T>G (p.Val452Gly)

Gene: LMNA (lamin A/C; plus strand). Cytogenetic location: 1q22.
Variant type: single nucleotide variant.
Coding change: c.1355T>G on transcript NM_170707.4 (MANE Select); coding-DNA position 1355, T replaced by G.
Protein change: p.Val452Gly; replaces valine 452 with glycine.
Molecular consequence: missense variant.
Genome position (GRCh38, 1-based): chr1:156,136,411, T>G. VCF-style: chr1-156136411-T-G. GRCh37 (hg19) VCF-style: chr1-156106202-T-G.
Other names: c.797T>G, p.Val266Gly (NM_001406995.1, NM_001406996.1, NM_001406997.1 and 4 more transcripts); c.1019T>G, p.Val340Gly (NM_001406998.1, NM_001257374.3, NM_001406989.1); c.731T>G, p.Val244Gly (NM_001406999.1, NM_001407000.1, NM_001407001.1 and 1 more transcripts); c.1112T>G, p.Val371Gly (NM_001282624.2, NM_001406986.1, NM_001406987.1); c.1355T>G, p.Val452Gly (NM_001282625.2, NM_001282626.2, NM_001406983.1 and 6 more transcripts); c.1058T>G, p.Val353Gly (NM_001406988.1); short protein forms V266G, V353G, V371G, V452G, V244G, V340G.
Identifiers: ClinVar variation 2859136 (VCV002859136.3), dbSNP rs2102891292, ClinGen allele CA342822212.